The following is an entry in ClinVar:

ClinVar aggregate classification (germline): Uncertain significance (1 of 4 stars; one submission).

Conditions:
Adenylosuccinate lyase deficiency (ADSLD). Also called: ADSL DEFICIENCY. Identifiers: Orphanet 46, MedGen C0268126, MONDO:0007068, OMIM 103050.

Allele frequency attached by ClinVar (database versions not stated): ExAC 0.00001; gnomAD exomes 0.00001; gnomAD 0.00002; TOPMed 0.00002.

Submission:

Labcorp Genetics (formerly Invitae), Labcorp
Classification: Uncertain significance for Adenylosuccinate lyase deficiency. Last evaluated: 2023-12-01. Review status: criteria provided, single submitter. Criteria: Invitae Variant Classification Sherloc (09022015). Collection method: clinical testing. Allele origin: germline.
Comment: This sequence change replaces phenylalanine, which is neutral and non-polar, with tyrosine, which is neutral and polar, at codon 208 of the ADSL protein (p.Phe208Tyr). This variant is present in population databases (rs776615568, gnomAD 0.002%). This variant has not been reported in the literature in individuals affected with ADSL-related conditions. ClinVar contains an entry for this variant (Variation ID: 666176). Advanced modeling of protein sequence and biophysical properties (such as structural, functional, and spatial information, amino acid conservation, physicochemical variation, residue mobility, and thermodynamic stability) performed at Invitae indicates that this missense variant is not expected to disrupt ADSL protein function with a negative predictive value of 80%. In summary, the available evidence is currently insufficient to determine the role of this variant in disease. Therefore, it has been classified as a Variant of Uncertain Significance.

NM_000026.4(ADSL):c.623T>A (p.Phe208Tyr)

Gene: ADSL (adenylosuccinate lyase; plus strand). Cytogenetic location: 22q13.1.
Variant type: single nucleotide variant.
Coding change: c.623T>A on transcript NM_000026.4 (MANE Select); coding-DNA position 623, T replaced by A.
Protein change: p.Phe208Tyr; replaces phenylalanine 208 with tyrosine.
Molecular consequence: missense variant. On other transcripts: non-coding transcript variant (1).
Genome position (GRCh38, 1-based): chr22:40,359,004, T>A. VCF-style: chr22-40359004-T-A. GRCh37 (hg19) VCF-style: chr22-40755008-T-A.
Other names: c.623T>A, p.Phe208Tyr (NM_001123378.3, NM_001363840.3); c.431T>A, p.Phe144Tyr (NM_001317923.2); short protein forms F144Y, F208Y.
Identifiers: ClinVar variation 666176 (VCV000666176.10), dbSNP rs776615568, ClinGen allele CA10247769.